The following is an entry in ClinVar:

ClinVar aggregate classification (germline): Uncertain significance (1 of 4 stars; one submission).

Conditions:
Encephalopathy, acute, infection-induced (herpes-specific), susceptibility to, 1. Also called: Herpes simplex encephalitis, susceptibility to, 1. Identifiers: Orphanet 1930, MedGen C2750180, MONDO:0024563, OMIM 610551.

Allele frequency attached by ClinVar (database versions not stated): ExAC 0.00001; gnomAD exomes 0.00002 and 0.00001; TOPMed 0.00001.
gnomAD v4.1: 7 of 1,614,142 alleles (0.00043%); highest among the groups gnomAD compares: Admixed American, 0.012%; no homozygotes.

Submission:

Labcorp Genetics (formerly Invitae), Labcorp
Classification: Uncertain significance for Encephalopathy, acute, infection-induced (herpes-specific), susceptibility to, 1. Last evaluated: 2025-07-21. Review status: criteria provided, single submitter. Criteria: Invitae Variant Classification Sherloc (09022015). Collection method: clinical testing. Allele origin: germline.
Comment: This sequence change replaces arginine, which is basic and polar, with lysine, which is basic and polar, at codon 729 of the TLR3 protein (p.Arg729Lys). This variant is present in population databases (rs766617542, gnomAD 0.01%). This variant has not been reported in the literature in individuals affected with TLR3-related conditions. ClinVar contains an entry for this variant (Variation ID: 1487693). An algorithm developed to predict the effect of missense changes on protein structure and function outputs the following: PolyPhen-2: "Benign". The lysine amino acid residue is found in multiple mammalian species, which suggests that this missense change does not adversely affect protein function. In summary, the available evidence is currently insufficient to determine the role of this variant in disease. Therefore, it has been classified as a Variant of Uncertain Significance.

NM_003265.3(TLR3):c.2186G>A (p.Arg729Lys)

Gene: TLR3 (toll like receptor 3; plus strand). Cytogenetic location: 4q35.1.
Variant type: single nucleotide variant.
Coding change: c.2186G>A on transcript NM_003265.3 (MANE Select); coding-DNA position 2186, G replaced by A.
Protein change: p.Arg729Lys; replaces arginine 729 with lysine.
Molecular consequence: missense variant.
Genome position (GRCh38, 1-based): chr4:186,083,872, G>A. VCF-style: chr4-186083872-G-A. GRCh37 (hg19) VCF-style: chr4-187005026-G-A.
Other names: short protein forms R729K.
Identifiers: ClinVar variation 1487693 (VCV001487693.6), dbSNP rs766617542, ClinGen allele CA3161530.